The following is an entry in ClinVar:

ClinVar aggregate classification (germline): Uncertain significance. Review status: criteria provided, multiple submitters, no conflicts (2 of 4 stars). 2 submissions from 2 submitters: Uncertain significance (2). Last evaluated 2022-10-25.

Conditions:
Cardiovascular phenotype. Identifiers: MedGen CN230736.
Dilated cardiomyopathy 1HH (CMD1HH). Identifiers: Orphanet 154, MedGen C3151293, MONDO:0013479, OMIM 613881.
Myofibrillar myopathy 6. Identifiers: Orphanet 199340, MedGen C2751831, MONDO:0013061, OMIM 612954.

Submissions (2):

Labcorp Genetics (formerly Invitae), Labcorp
Classification: Uncertain significance for Dilated cardiomyopathy 1HH; Myofibrillar myopathy 6. Last evaluated: 2022-10-25. Review status: criteria provided, single submitter. Criteria: Invitae Variant Classification Sherloc (09022015). Collection method: clinical testing. Allele origin: germline.
Comment: In summary, the available evidence is currently insufficient to determine the role of this variant in disease. Therefore, it has been classified as a Variant of Uncertain Significance. This sequence change replaces lysine, which is basic and polar, with asparagine, which is neutral and polar, at codon 431 of the BAG3 protein (p.Lys431Asn). This variant is not present in population databases (gnomAD no frequency). Advanced modeling of protein sequence and biophysical properties (such as structural, functional, and spatial information, amino acid conservation, physicochemical variation, residue mobility, and thermodynamic stability) performed at Invitae indicates that this missense variant is not expected to disrupt BAG3 protein function. This variant has not been reported in the literature in individuals affected with BAG3-related conditions.

Ambry Genetics
Classification: Uncertain significance for Cardiovascular phenotype. Last evaluated: 2021-07-01. Review status: criteria provided, single submitter. Criteria: Ambry Variant Classification Scheme 2023. Collection method: clinical testing. Allele origin: germline.
Comment: The p.K431N variant (also known as c.1293G>C), located in coding exon 4 of the BAG3 gene, results from a G to C substitution at nucleotide position 1293. The lysine at codon 431 is replaced by asparagine, an amino acid with similar properties. This amino acid position is conserved. In addition, this alteration is predicted to be tolerated by in silico analysis. Since supporting evidence is limited at this time, the clinical significance of this alteration remains unclear.

NM_004281.4(BAG3):c.1293G>C (p.Lys431Asn)

Gene: BAG3 (BAG cochaperone 3; plus strand). Cytogenetic location: 10q26.11.
Variant type: single nucleotide variant.
Coding change: c.1293G>C on transcript NM_004281.4 (MANE Select); coding-DNA position 1293, G replaced by C.
Protein change: p.Lys431Asn; replaces lysine 431 with asparagine.
Molecular consequence: missense variant.
Genome position (GRCh38, 1-based): chr10:119,676,847, G>C. VCF-style: chr10-119676847-G-C. GRCh37 (hg19) VCF-style: chr10-121436359-G-C.
Other names: short protein forms K431N.
Identifiers: ClinVar variation 1719147 (VCV001719147.7), dbSNP rs1847244580, ClinGen allele CA378297004.
Genomic context (GRCh38, chr10:119,676,847, plus strand): 5'-AGAAGCCGAGGCTCCCCCAAAACATCCAGGAGTGCTGAAAGTGGAAGCCATCCTGGAGAA[G>C]GTACAGGGGCTGGAGCAGGCTGTAGACAACTTTGAAGGCAAGAAGACTGACAAAAAGTAC-3'
Protein context (NP_004272.2, residues 421-441): GVLKVEAILE[Lys431Asn]VQGLEQAVDN